The following is an entry in ClinVar:

ClinVar aggregate classification (germline): Uncertain significance (1 of 4 stars; one submission).

Conditions:
Deficiency of butyryl-CoA dehydrogenase (ACADSD). Also called: ACADS DEFICIENCY; SCAD Deficiency; Short-Chain Acyl-CoA Dehydrogenase Deficiency; SCAD DEFICIENCY, MILD; ACYL-CoA DEHYDROGENASE, SHORT-CHAIN, DEFICIENCY OF; SCADH DEFICIENCY. Identifiers: Orphanet 26792, MedGen C0342783, MONDO:0008722, OMIM 201470. Disease mechanism: May be benign.

Allele frequency attached by ClinVar (database versions not stated): ExAC 0.00001; gnomAD exomes 0.00002.
gnomAD v4.1: 14 of 1,614,200 alleles (0.00087%); highest among the groups gnomAD compares: South Asian, 0.015%; 1 homozygote.

Submission:

Labcorp Genetics (formerly Invitae), Labcorp
Classification: Uncertain significance for Deficiency of butyryl-CoA dehydrogenase. Last evaluated: 2022-07-03. Review status: criteria provided, single submitter. Criteria: Invitae Variant Classification Sherloc (09022015). Collection method: clinical testing. Allele origin: germline.
Comment: In summary, the available evidence is currently insufficient to determine the role of this variant in disease. Therefore, it has been classified as a Variant of Uncertain Significance. Advanced modeling of protein sequence and biophysical properties (such as structural, functional, and spatial information, amino acid conservation, physicochemical variation, residue mobility, and thermodynamic stability) performed at Invitae indicates that this missense variant is expected to disrupt ACADS protein function. This variant has not been reported in the literature in individuals affected with ACADS-related conditions. This variant is present in population databases (rs781314751, gnomAD 0.02%). This sequence change replaces glutamic acid, which is acidic and polar, with alanine, which is neutral and non-polar, at codon 228 of the ACADS protein (p.Glu228Ala).

NM_000017.4(ACADS):c.683A>C (p.Glu228Ala)

Gene: ACADS (acyl-CoA dehydrogenase short chain; plus strand). Cytogenetic location: 12q24.31.
Variant type: single nucleotide variant.
Coding change: c.683A>C on transcript NM_000017.4 (MANE Select); coding-DNA position 683, A replaced by C.
Protein change: p.Glu228Ala; replaces glutamic acid 228 with alanine.
Molecular consequence: missense variant.
Genome position (GRCh38, 1-based): chr12:120,738,338, A>C. VCF-style: chr12-120738338-A-C. GRCh37 (hg19) VCF-style: chr12-121176141-A-C.
Other names: c.671A>C, p.Glu224Ala (NM_001302554.2); short protein forms E228A, E224A.
Identifiers: ClinVar variation 2119664 (VCV002119664.4), dbSNP rs781314751, ClinGen allele CA6831036.